The following is an entry in ClinVar:

NM_000179.3(MSH6):c.1331T>G (p.Val444Gly)

Gene: MSH6 (mutS homolog 6; plus strand). Cytogenetic location: 2p16.3.
Variant type: single nucleotide variant.
Coding change: c.1331T>G on transcript NM_000179.3 (MANE Select); coding-DNA position 1331, T replaced by G.
Protein change: p.Val444Gly; replaces valine 444 with glycine.
Molecular consequence: missense variant. On other transcripts: non-coding transcript variant (4), intron variant (1).
Genome position (GRCh38, 1-based): chr2:47,799,314, T>G. VCF-style: chr2-47799314-T-G. GRCh37 (hg19) VCF-style: chr2-48026453-T-G.
Other names: c.941T>G, p.Val314Gly (NM_001281492.2); c.425T>G, p.Val142Gly (NM_001281493.2, NM_001281494.2, NM_001406811.1 and 6 more transcripts); c.1427T>G, p.Val476Gly (NM_001406795.1, NM_001406802.1); c.1331T>G, p.Val444Gly (NM_001406796.1, NM_001406798.1, NM_001406800.1 and 4 more transcripts); c.1034T>G, p.Val345Gly (NM_001406797.1, NM_001406801.1, NM_001406805.1 and 10 more transcripts); c.806T>G, p.Val269Gly (NM_001406799.1, NM_001406806.1, NM_001406807.1); c.1253T>G, p.Val418Gly (NM_001406804.1); c.1337T>G, p.Val446Gly (NM_001406813.1); and 2 more; short protein forms V142G, V269G, V314G, V345G, V388G, V418G, V444G, V446G.
Identifiers: ClinVar variation 3070614 (VCV003070614.1), dbSNP rs2104336849, ClinGen allele CA346744532.

ClinVar aggregate classification (germline): Uncertain significance (1 of 4 stars; one submission).

Conditions:
Lynch syndrome. Identifiers: Orphanet 144, MedGen C4552100, MONDO:0005835. Disease mechanism: loss of function.

gnomAD v4.1: 1 of 1,613,898 alleles (0.000062%); highest among the groups gnomAD compares: Non-Finnish European, 0.000085%; no homozygotes.

Submission:

All of Us Research Program, National Institutes of Health
Classification: Uncertain significance for Lynch syndrome. Last evaluated: 2023-04-27. Review status: criteria provided, single submitter. Criteria: ACMG Guidelines, 2015. Collection method: clinical testing. Allele origin: germline. Inheritance: Autosomal dominant inheritance. Observed: 1 variant allele, 1 heterozygote.
Comment: This study involves interpretation of variants in research participants for the purpose of population health screening. Participant phenotype was not available at the time of variant classification. Additional details can be found in publication PMID: 35346344, PMCID: PMC8962531